The following is an entry in ClinVar:

NM_001414.4(EIF2B1):c.585dup (p.Gly196fs)

Gene: EIF2B1 (eukaryotic translation initiation factor 2B subunit alpha; minus strand). Cytogenetic location: 12q24.31.
Variant type: Duplication.
Coding change: c.585dup on transcript NM_001414.4 (MANE Select); coding-DNA position 585, one base duplicated (T; older notation c.585dupT).
Protein change: p.Gly196fs; shifts the reading frame from glycine 196.
Molecular consequence: frameshift variant.
Genome position (GRCh38, 1-based): chr12:123,624,829, A duplicated on the plus strand (T on the coding strand, the reverse complement: EIF2B1 is on the minus strand); the first of 2 consecutive A bases (chr12:123,624,829-123,624,830); duplicating either gives the same sequence. VCF-style (leftmost placement, unchanged base first): chr12-123624828-C-CA. GRCh37 (hg19) VCF-style: chr12-124109375-C-CA.
Other names: short protein forms G196fs.
Identifiers: ClinVar variation 1416368 (VCV001416368.6), dbSNP rs2135761807, ClinGen allele CA2573148055.

ClinVar aggregate classification (germline): Pathogenic (1 of 4 stars; one submission).

Submission:

Labcorp Genetics (formerly Invitae), Labcorp
Classification: Pathogenic. Last evaluated: 2023-07-21. Review status: criteria provided, single submitter. Criteria: Invitae Variant Classification Sherloc (09022015). Collection method: clinical testing. Allele origin: germline.
Comment: For these reasons, this variant has been classified as Pathogenic. This sequence change creates a premature translational stop signal (p.Gly196Trpfs*3) in the EIF2B1 gene. It is expected to result in an absent or disrupted protein product. Loss-of-function variants in EIF2B1 are known to be pathogenic (PMID: 11835386, 32865661). This variant is not present in population databases (gnomAD no frequency). This variant has not been reported in the literature in individuals affected with EIF2B1-related conditions. ClinVar contains an entry for this variant (Variation ID: 1416368).

Literature cited by the submitters: PubMed 11835386; PubMed 32865661.